The following is an entry in ClinVar:

NM_182914.3(SYNE2):c.15700C>A (p.Leu5234Met)

Gene: SYNE2 (spectrin repeat containing nuclear envelope protein 2; plus strand). Cytogenetic location: 14q23.2.
Variant type: single nucleotide variant.
Coding change: c.15700C>A on transcript NM_182914.3 (MANE Select); coding-DNA position 15700, C replaced by A.
Protein change: p.Leu5234Met; replaces leucine 5234 with methionine.
Molecular consequence: missense variant.
Genome position (GRCh38, 1-based): chr14:64,152,624, C>A. VCF-style: chr14-64152624-C-A. GRCh37 (hg19) VCF-style: chr14-64619342-C-A.
Other names: c.15700C>A, p.Leu5234Met (NM_015180.6); short protein forms L5234M.
Identifiers: ClinVar variation 1440101 (VCV001440101.6), dbSNP rs769634722, ClinGen allele CA261821412.

ClinVar aggregate classification (germline): Uncertain significance (1 of 4 stars; one submission).

Conditions:
Emery-Dreifuss muscular dystrophy 5, autosomal dominant (EDMD5). Also called: EMERY-DREIFUSS MUSCULAR DYSTROPHY 5. Identifiers: Orphanet 261, MedGen C2751805, MONDO:0013072, OMIM 612999.

Allele frequency attached by ClinVar (database versions not stated): gnomAD 0.00001; gnomAD exomes 0.00001; TOPMed 0.00002.
gnomAD v4.1: 63 of 1,613,952 alleles (0.0039%); highest among the groups gnomAD compares: Non-Finnish European, 0.005%; no homozygotes.

Submission:

Labcorp Genetics (formerly Invitae), Labcorp
Classification: Uncertain significance for Emery-Dreifuss muscular dystrophy 5, autosomal dominant. Last evaluated: 2021-11-07. Review status: criteria provided, single submitter. Criteria: Invitae Variant Classification Sherloc (09022015). Collection method: clinical testing. Allele origin: germline.
Comment: This variant is present in population databases (rs769634722, gnomAD 0.003%). This variant has not been reported in the literature in individuals affected with SYNE2-related conditions. This sequence change replaces leucine, which is neutral and non-polar, with methionine, which is neutral and non-polar, at codon 5234 of the SYNE2 protein (p.Leu5234Met). Algorithms developed to predict the effect of missense changes on protein structure and function output the following: SIFT: "Tolerated"; PolyPhen-2: "Probably Damaging"; Align-GVGD: "Class C0". The methionine amino acid residue is found in multiple mammalian species, which suggests that this missense change does not adversely affect protein function. In summary, the available evidence is currently insufficient to determine the role of this variant in disease. Therefore, it has been classified as a Variant of Uncertain Significance.